The following is an entry in ClinVar:

NM_001365276.2(TNXB):c.2834C>T (p.Pro945Leu)

Gene: TNXB (tenascin XB; minus strand). Cytogenetic location: 6p21.33.
Variant type: single nucleotide variant.
Coding change: c.2834C>T on transcript NM_001365276.2 (MANE Select); coding-DNA position 2834, C replaced by T.
Protein change: p.Pro945Leu; replaces proline 945 with leucine.
Molecular consequence: missense variant.
Genome position (GRCh38, 1-based): chr6:32,086,064, G>A on the plus strand (C>T on the coding strand, the complement: TNXB is on the minus strand). VCF-style: chr6-32086064-G-A. GRCh37 (hg19) VCF-style: chr6-32053841-G-A.
Other names: c.3575C>T, p.Pro1192Leu (NM_001428335.1); c.2834C>T, p.Pro945Leu (NM_019105.8); short protein forms P1192L, P945L.
Identifiers: ClinVar variation 4689327 (VCV004689327.1).

ClinVar aggregate classification (germline): Uncertain significance (1 of 4 stars; one submission).

gnomAD v4.1: 12 of 1,587,772 alleles (0.00076%); highest among the groups gnomAD compares: South Asian, 0.014%; no homozygotes.

Submission:

Women's Health and Genetics/Laboratory Corporation of America, LabCorp
Classification: Uncertain significance. Last evaluated: 2026-01-16. Review status: criteria provided, single submitter. Criteria: LabCorp Variant Classification Summary - May 2015. Collection method: clinical testing. Allele origin: germline.
Comment: Variant summary: TNXB c.2834C>T (p.Pro945Leu) results in a non-conservative amino acid change in the encoded protein sequence. Algorithms developed to predict the effect of missense changes on protein structure and function are either unavailable or do not agree on the potential impact of this missense change. The variant allele was found at a frequency of 7.6e-06 in 1581086 control chromosomes (gnomAD). This frequency is not significantly higher than estimated for disease-causing variants in TNXB, allowing no conclusion about variant significance. To our knowledge, no occurrence of c.2834C>T in individuals affected with TNXB-related conditions and no experimental evidence demonstrating its impact on protein function have been reported. No submitters have cited clinical-significance assessments for this variant to ClinVar. Based on the evidence outlined above, the variant was classified as uncertain significance.